The following is an entry in ClinVar:

NM_000094.4(COL7A1):c.7929+1G>A

Gene: COL7A1 (collagen type VII alpha 1 chain; minus strand). Cytogenetic location: 3p21.31.
Variant type: single nucleotide variant.
Coding change: c.7929+1G>A on transcript NM_000094.4 (MANE Select); the canonical splice donor site of the intron after coding-DNA position 7929, G replaced by A.
Molecular consequence: splice donor variant.
Genome position (GRCh38, 1-based): chr3:48,567,837, C>T on the plus strand (G>A on the coding strand, the complement: COL7A1 is on the minus strand). VCF-style: chr3-48567837-C-T. GRCh37 (hg19) VCF-style: chr3-48605270-C-T.
Identifiers: ClinVar variation 1477110 (VCV001477110.8), dbSNP rs2107636494, ClinGen allele CA352641453.
Genomic context (GRCh38, chr3:48,567,837, plus strand): 5'-GCAGTGGGGTGAGCCTTAGGCCCCAGGCCACGTAGCCCCCCAGCCCCCATCCCCTCTGTA[C>T]CTTGTCTCCCTTCTCTCCATCAAGGCCACAGGCTCCCTTCACTCCCCGTTCACCCTGAGG-3'

ClinVar aggregate classification (germline): Likely pathogenic (1 of 4 stars; one submission).

Submission:

Labcorp Genetics (formerly Invitae), Labcorp
Classification: Likely pathogenic. Last evaluated: 2021-03-02. Review status: criteria provided, single submitter. Criteria: Invitae Variant Classification Sherloc (09022015). Collection method: clinical testing. Allele origin: germline.
Comment: This variant is not present in population databases (ExAC no frequency). This sequence change affects a donor splice site in intron 106 of the COL7A1 gene. It is expected to disrupt RNA splicing. Variants that disrupt the donor or acceptor splice site typically lead to a loss of protein function (PMID: 16199547), and loss-of-function variants in COL7A1 are known to be pathogenic (PMID: 16971478). This variant has been observed in individual(s) with COL7A1-related conditions (PMID: 19681861). Algorithms developed to predict the effect of sequence changes on RNA splicing suggest that this variant may disrupt the consensus splice site, but this prediction has not been confirmed by published transcriptional studies. In summary, the currently available evidence indicates that the variant is pathogenic, but additional data are needed to prove that conclusively. Therefore, this variant has been classified as Likely Pathogenic.

Literature cited by the submitters: PubMed 16199547; PubMed 16971478; PubMed 19681861.